The following is an entry in ClinVar:

ClinVar aggregate classification (germline): Uncertain significance (1 of 4 stars; one submission).

Conditions:
Familial temporal lobe epilepsy 7. Identifiers: Orphanet 101046, MedGen C4225327, MONDO:0014639, OMIM 616436.
Norman-Roberts syndrome (LIS2). Also called: Lissencephaly 2 (Norman-Roberts type). Identifiers: Orphanet 89844, MedGen C0796089, MONDO:0009760, OMIM 257320.

Allele frequency attached by ClinVar (database versions not stated): TOPMed below 0.00001.

Submission:

Labcorp Genetics (formerly Invitae), Labcorp
Classification: Uncertain significance for Familial temporal lobe epilepsy 7; Norman-Roberts syndrome. Last evaluated: 2023-02-14. Review status: criteria provided, single submitter. Criteria: Invitae Variant Classification Sherloc (09022015). Collection method: clinical testing. Allele origin: germline.
Comment: This sequence change falls in intron 21 of the RELN gene. It does not directly change the encoded amino acid sequence of the RELN protein. It affects a nucleotide within the consensus splice site. This variant is not present in population databases (gnomAD no frequency). This variant has not been reported in the literature in individuals affected with RELN-related conditions. Variants that disrupt the consensus splice site are a relatively common cause of aberrant splicing (PMID: 17576681, 9536098). Algorithms developed to predict the effect of sequence changes on RNA splicing suggest that this variant may create or strengthen a splice site. In summary, the available evidence is currently insufficient to determine the role of this variant in disease. Therefore, it has been classified as a Variant of Uncertain Significance.

Literature cited by the submitters: PubMed 17576681; PubMed 9536098.

NM_005045.4(RELN):c.2895+6T>A

Gene: RELN (reelin; minus strand). Cytogenetic location: 7q22.1.
Variant type: single nucleotide variant.
Coding change: c.2895+6T>A on transcript NM_005045.4 (MANE Select); 6 bases into the intron after coding-DNA position 2895, T replaced by A.
Molecular consequence: intron variant.
Genome position (GRCh38, 1-based): chr7:103,611,605, A>T on the plus strand (T>A on the coding strand, the complement: RELN is on the minus strand). VCF-style: chr7-103611605-A-T. GRCh37 (hg19) VCF-style: chr7-103252052-A-T.
Other names: c.2895+6T>A (NM_173054.3).
Identifiers: ClinVar variation 2928412 (VCV002928412.3), dbSNP rs1831959315, ClinGen allele CA1730812373.